The following is an entry in ClinVar:

ClinVar aggregate classification (germline): Benign/Likely benign. Review status: criteria provided, multiple submitters, no conflicts (2 of 4 stars). 4 submissions from 4 submitters: Benign (2); Likely benign (1). 1 of the submissions does not count toward it. Last evaluated 2024-09-18.

Conditions:
ADAMTS3-related disorder. Also called: ADAMTS3-related condition.

Allele frequency attached by ClinVar (database versions not stated): gnomAD exomes 0.00075; ExAC 0.00097; gnomAD 0.00312 and 0.00335; ESP Exome Variant Server 0.00323; 1000 Genomes Project 0.00339; TOPMed 0.00339; 1000 Genomes Project 30x 0.00375.
gnomAD v4.1: 939 of 1,614,030 alleles (0.058%); highest among the groups gnomAD compares: African/African-American, 1.2%; 6 homozygotes.

Submissions (4):

Blueprint Genetics
Classification: Likely benign. Last evaluated: 2024-09-18. Review status: criteria provided, single submitter. Criteria: ACMG Guidelines, 2015. Collection method: clinical testing. Allele origin: germline.

Labcorp Genetics (formerly Invitae), Labcorp
Classification: Benign. Last evaluated: 2019-12-31. Review status: criteria provided, single submitter. Criteria: Invitae Variant Classification Sherloc (09022015). Collection method: clinical testing. Allele origin: germline.

Breakthrough Genomics
Classification: Benign. Review status: criteria provided, single submitter. Criteria: ACMG Guidelines, 2015. Collection method: not provided. Allele origin: germline. Inheritance: Autosomal recessive inheritance. Affected: yes.

PreventionGenetics, part of Exact Sciences
Classification: Benign for ADAMTS3-related condition. Last evaluated: 2019-02-21. Review status: no assertion criteria provided. Collection method: clinical testing. Allele origin: germline. Not counted in ClinVar's aggregate classification.
Comment: This variant is classified as benign based on ACMG/AMP sequence variant interpretation guidelines (Richards et al. 2015 PMID: 25741868, with internal and published modifications).

NM_014243.3(ADAMTS3):c.3183C>T (p.Tyr1061=)

Gene: ADAMTS3 (ADAM metallopeptidase with thrombospondin type 1 motif 3; minus strand). Cytogenetic location: 4q13.3.
Variant type: single nucleotide variant.
Coding change: c.3183C>T on transcript NM_014243.3 (MANE Select); coding-DNA position 3183, C replaced by T.
Protein change: p.Tyr1061=; no amino-acid change (tyrosine 1061 retained).
Molecular consequence: synonymous variant.
Genome position (GRCh38, 1-based): chr4:72,283,571, G>A on the plus strand (C>T on the coding strand, the complement: ADAMTS3 is on the minus strand). VCF-style: chr4-72283571-G-A. GRCh37 (hg19) VCF-style: chr4-73149288-G-A.
Identifiers: ClinVar variation 736238 (VCV000736238.8), dbSNP rs114741266, ClinGen allele CA2956407.